The following is an entry in ClinVar:

NM_198253.3(TERT):c.1796G>C (p.Arg599Pro)

Gene: TERT (telomerase reverse transcriptase; minus strand). Cytogenetic location: 5p15.33.
Variant type: single nucleotide variant.
Coding change: c.1796G>C on transcript NM_198253.3 (MANE Select); coding-DNA position 1796, G replaced by C.
Protein change: p.Arg599Pro; replaces arginine 599 with proline.
Molecular consequence: missense variant. On other transcripts: non-coding transcript variant (2).
Genome position (GRCh38, 1-based): chr5:1,280,312, C>G on the plus strand (G>C on the coding strand, the complement: TERT is on the minus strand). VCF-style: chr5-1280312-C-G. GRCh37 (hg19) VCF-style: chr5-1280427-C-G.
Other names: c.1796G>C, p.Arg599Pro (NM_001193376.3, NM_003219.1); short protein forms R599P.
Identifiers: ClinVar variation 2941452 (VCV002941452.3), dbSNP rs372511089, ClinGen allele CA359082050.

ClinVar aggregate classification (germline): Uncertain significance (1 of 4 stars; one submission).

Conditions:
Dyskeratosis congenita, autosomal dominant 2. Identifiers: MedGen C3151443, MONDO:0013521, OMIM 613989.
Idiopathic Pulmonary Fibrosis. Also called: Idiopathic fibrosing alveolitis, chronic form; idiopathic fibrosing alveolitis. Identifiers: Orphanet 2032, MedGen C1800706, MeSH D054990, MONDO:0800504.

Submission:

Labcorp Genetics (formerly Invitae), Labcorp
Classification: Uncertain significance for Dyskeratosis congenita, autosomal dominant 2; Idiopathic Pulmonary Fibrosis. Last evaluated: 2023-01-09. Review status: criteria provided, single submitter. Criteria: Invitae Variant Classification Sherloc (09022015). Collection method: clinical testing. Allele origin: germline.
Comment: In summary, the available evidence is currently insufficient to determine the role of this variant in disease. Therefore, it has been classified as a Variant of Uncertain Significance. Advanced modeling of protein sequence and biophysical properties (such as structural, functional, and spatial information, amino acid conservation, physicochemical variation, residue mobility, and thermodynamic stability) performed at Invitae indicates that this missense variant is expected to disrupt TERT protein function. This variant has not been reported in the literature in individuals affected with TERT-related conditions. This variant is not present in population databases (gnomAD no frequency). This sequence change replaces arginine, which is basic and polar, with proline, which is neutral and non-polar, at codon 599 of the TERT protein (p.Arg599Pro).